The following is an entry in ClinVar:

ClinVar aggregate classification (germline): Uncertain significance (1 of 4 stars; one submission).

Conditions:
Congenital sideroblastic anemia-B-cell immunodeficiency-periodic fever-developmental delay syndrome. Also called: Sideroblastic anemia with B-cell immunodeficiency, periodic fevers, and developmental delay. Identifiers: Orphanet 369861, MedGen C4015172, MONDO:0014487, OMIM 616084.

gnomAD v4.1: 1 of 1,613,790 alleles (0.000062%); highest among the groups gnomAD compares: Non-Finnish European, 0.000085%; no homozygotes.

Submission:

Labcorp Genetics (formerly Invitae), Labcorp
Classification: Uncertain significance for Congenital sideroblastic anemia-B-cell immunodeficiency-periodic fever-developmental delay syndrome. Last evaluated: 2022-02-23. Review status: criteria provided, single submitter. Criteria: Invitae Variant Classification Sherloc (09022015). Collection method: clinical testing. Allele origin: germline.
Comment: This variant is not present in population databases (gnomAD no frequency). This sequence change replaces aspartic acid, which is acidic and polar, with valine, which is neutral and non-polar, at codon 425 of the TRNT1 protein (p.Asp425Val). This variant has not been reported in the literature in individuals affected with TRNT1-related conditions. Algorithms developed to predict the effect of missense changes on protein structure and function are either unavailable or do not agree on the potential impact of this missense change (SIFT: "Deleterious"; PolyPhen-2: "Benign"; Align-GVGD: "Class C0"). In summary, the available evidence is currently insufficient to determine the role of this variant in disease. Therefore, it has been classified as a Variant of Uncertain Significance.

NM_182916.3(TRNT1):c.1274A>T (p.Asp425Val)

Gene: TRNT1 (tRNA nucleotidyl transferase 1; plus strand). Cytogenetic location: 3p26.2.
Variant type: single nucleotide variant.
Coding change: c.1274A>T on transcript NM_182916.3 (MANE Select); coding-DNA position 1274, A replaced by T.
Protein change: p.Asp425Val; replaces aspartic acid 425 with valine.
Molecular consequence: missense variant. On other transcripts: non-coding transcript variant (8).
Genome position (GRCh38, 1-based): chr3:3,148,123, A>T. VCF-style: chr3-3148123-A-T. GRCh37 (hg19) VCF-style: chr3-3189807-A-T.
Other names: c.1214A>T, p.Asp405Val (NM_001302946.2); c.1274A>T, p.Asp425Val (NM_001367321.1, NM_001367322.1, NM_001367323.1); short protein forms D425V, D405V.
Identifiers: ClinVar variation 1516495 (VCV001516495.6), dbSNP rs146766859, ClinGen allele CA351449182.